The following is an entry in ClinVar:

ClinVar aggregate classification (germline): Likely benign. Review status: criteria provided, multiple submitters, no conflicts (2 of 4 stars). 2 submissions from 2 submitters: Likely benign (2). Last evaluated 2024-06-28.

Conditions:
Supravalvar aortic stenosis (SVAS). Also called: Supravalvar aortic stenosis, Eisenberg type. Identifiers: Orphanet 3193, MedGen C0003499, MONDO:0008504, OMIM 185500, HP:0004381.

Allele frequency attached by ClinVar (database versions not stated): TOPMed 0.00002; ExAC 0.00003; gnomAD 0.00003 and 0.00004; gnomAD exomes 0.00004 and 0.00007.
gnomAD v4.1: 106 of 1,613,944 alleles (0.0066%); highest among the groups gnomAD compares: South Asian, 0.0088%; no homozygotes.

Submissions (2):

Labcorp Genetics (formerly Invitae), Labcorp
Classification: Likely benign for Supravalvar aortic stenosis. Last evaluated: 2024-06-28. Review status: criteria provided, single submitter. Criteria: Invitae Variant Classification Sherloc (09022015). Collection method: clinical testing. Allele origin: germline.

GeneDx
Classification: Likely benign. Last evaluated: 2017-02-27. Review status: criteria provided, single submitter. Criteria: GeneDx Variant Classification (06012015). Collection method: clinical testing. Allele origin: germline. Affected: yes.
Comment: This variant is considered likely benign or benign based on one or more of the following criteria: it is a conservative change, it occurs at a poorly conserved position in the protein, it is predicted to be benign by multiple in silico algorithms, and/or has population frequency not consistent with disease.

NM_000501.4(ELN):c.2067C>T (p.Ala689=)

Gene: ELN (elastin; plus strand). Cytogenetic location: 7q11.23.
Variant type: single nucleotide variant.
Coding change: c.2067C>T on transcript NM_000501.4 (MANE Select); coding-DNA position 2067, C replaced by T.
Protein change: p.Ala689=; no amino-acid change (alanine 689 retained).
Molecular consequence: synonymous variant. On other transcripts: intron variant (6).
Genome position (GRCh38, 1-based): chr7:74,065,978, C>T. VCF-style: chr7-74065978-C-T. GRCh37 (hg19) VCF-style: chr7-73480308-C-T.
Other names: c.2010C>T, p.Ala670= (NM_001081755.3); c.1824C>T, p.Ala608= (NM_001278913.2); c.1995C>T, p.Ala665= (NM_001278914.2); c.2085C>T, p.Ala695= (NM_001278915.2); c.2037C>T, p.Ala679= (NM_001278917.2); c.2253C>T, p.Ala751= (NM_001278939.2); c.2047+246C>T (NM_001081754.3); c.1990+246C>T (NM_001081753.3); and 4 more.
Identifiers: ClinVar variation 507363 (VCV000507363.4), dbSNP rs782657493, ClinGen allele CA4293369.